The following is an entry in ClinVar:

NM_012082.4(ZFPM2):c.2756dup (p.Asn919fs)

Genes: ZFPM2 (zinc finger protein, FOG family member 2; plus strand), ZFPM2-AS1 (ZFPM2 antisense RNA 1; minus strand), LOC126860469 (BRD4-independent group 4 enhancer GRCh37_chr8:106814445-106815644; plus strand). Cytogenetic location: 8q23.1.
Variant type: Duplication.
Coding change: c.2756dup on transcript NM_012082.4 (MANE Select); coding-DNA position 2756, one base duplicated (A; older notation c.2756dupA).
Protein change: p.Asn919fs; shifts the reading frame from asparagine 919.
Molecular consequence: frameshift variant.
Genome position (GRCh38, 1-based): chr8:105,802,838, A duplicated; the last of 5 consecutive A bases (chr8:105,802,834-105,802,838); duplicating any one gives the same sequence. VCF-style (leftmost placement, unchanged base first): chr8-105802833-G-GA. GRCh37 (hg19) VCF-style: chr8-106815061-G-GA.
Other names: c.2756dupA (NM_012082.4); c.2597dup, p.Asn866fs (NM_001362836.2); c.2360dup, p.Asn787fs (NM_001362837.2); short protein forms N787fs, N866fs, N919fs.
Identifiers: ClinVar variation 5043327 (VCV005043327.1).
Genomic context (GRCh38, chr8:105,802,833, plus strand): 5'-TCCAGAAAGCGAACGAAACAGCCCTGATGTCAGCTACGAAAGAAGCATAATAAAATGTGA[G>GA]AAAAATGGGAATTTGAAGCAGCCTTCCCCCAATGGAAACTTATTTTCATCCCACCTAGCA-3'

ClinVar aggregate classification (germline): Uncertain significance (1 of 4 stars; one submission).

Conditions:
46,XY sex reversal 9 (SRXY9). Also called: 46,XY SEX REVERSAL, ZFPM2-RELATED. Identifiers: Orphanet 251510, MedGen C4015129, MONDO:0014480, OMIM 616067.

Submission:

UAEU Genomics Laboratory, United Arab Emirates University
Classification: Uncertain significance for 46,XY sex reversal 9. Last evaluated: 2023-12-29. Review status: criteria provided, single submitter. Criteria: ACMG Guidelines, 2015. Collection method: research. Allele origin: germline. Affected: yes. Observed: 1 variant allele.
Comment: PM2, PVS1_Strong